The following is an entry in ClinVar:

ClinVar aggregate classification (germline): Uncertain significance. Review status: criteria provided, multiple submitters, no conflicts (2 of 4 stars). 2 submissions from 2 submitters: Uncertain significance (2). Last evaluated 2025-04-01.

Conditions:
Inborn genetic diseases. Identifiers: MedGen C0950123, MeSH D030342.

Allele frequency attached by ClinVar (database versions not stated): gnomAD exomes below 0.00001; gnomAD 0.00001; ExAC 0.00002; TOPMed 0.00002.
gnomAD v4.1: 2 of 1,204,182 alleles (0.00017%); highest among the groups gnomAD compares: African/African-American, 0.0035%; no homozygotes.

Submissions (2):

Ambry Genetics
Classification: Uncertain significance for Inborn genetic diseases. Last evaluated: 2025-04-01. Review status: criteria provided, single submitter. Criteria: Ambry Variant Classification Scheme 2023. Collection method: clinical testing. Allele origin: germline.

Labcorp Genetics (formerly Invitae), Labcorp
Classification: Uncertain significance. Last evaluated: 2023-06-27. Review status: criteria provided, single submitter. Criteria: Invitae Variant Classification Sherloc (09022015). Collection method: clinical testing. Allele origin: germline.
Comment: This sequence change replaces leucine, which is neutral and non-polar, with valine, which is neutral and non-polar, at codon 1056 of the CACNA1F protein (p.Leu1056Val). This variant is present in population databases (rs782351842, gnomAD 0.009%). This variant has not been reported in the literature in individuals affected with CACNA1F-related conditions. ClinVar contains an entry for this variant (Variation ID: 1970849). Advanced modeling of protein sequence and biophysical properties (such as structural, functional, and spatial information, amino acid conservation, physicochemical variation, residue mobility, and thermodynamic stability) performed at Invitae indicates that this missense variant is not expected to disrupt CACNA1F protein function. In summary, the available evidence is currently insufficient to determine the role of this variant in disease. Therefore, it has been classified as a Variant of Uncertain Significance.

NM_001256789.3(CACNA1F):c.3133C>G (p.Leu1045Val)

Gene: CACNA1F (calcium voltage-gated channel subunit alpha1 F; minus strand). Cytogenetic location: Xp11.23.
Variant type: single nucleotide variant.
Coding change: c.3133C>G on transcript NM_001256789.3 (MANE Select); coding-DNA position 3133, C replaced by G.
Protein change: p.Leu1045Val; replaces leucine 1045 with valine.
Molecular consequence: missense variant.
Genome position (GRCh38, 1-based): chrX:49,216,485, G>C on the plus strand (C>G on the coding strand, the complement: CACNA1F is on the minus strand). VCF-style: chrX-49216485-G-C. GRCh37 (hg19) VCF-style: chrX-49072945-G-C.
Other names: c.2971C>G, p.Leu991Val (NM_001256790.3); c.3166C>G, p.Leu1056Val (NM_005183.4); c.3166C>G (NM_005183.2); short protein forms L1056V, L1045V, L991V.
Identifiers: ClinVar variation 1970849 (VCV001970849.6), dbSNP rs782351842, ClinGen allele CA10410525.